The following is an entry in ClinVar:

NM_012330.4(KAT6B):c.2556G>T (p.Lys852Asn)

Gene: KAT6B (lysine acetyltransferase 6B; plus strand). Cytogenetic location: 10q22.2.
Variant type: single nucleotide variant.
Coding change: c.2556G>T on transcript NM_012330.4 (MANE Select); coding-DNA position 2556, G replaced by T.
Protein change: p.Lys852Asn; replaces lysine 852 with asparagine.
Molecular consequence: missense variant.
Genome position (GRCh38, 1-based): chr10:74,989,039, G>T. VCF-style: chr10-74989039-G-T. GRCh37 (hg19) VCF-style: chr10-76748797-G-T.
Other names: c.2007G>T, p.Lys669Asn (NM_001256468.2, NM_001370138.1); c.1680G>T, p.Lys560Asn (NM_001256469.2, NM_001370139.1, NM_001370140.1 and 2 more transcripts); c.1518G>T, p.Lys506Asn (NM_001370132.1); c.867G>T, p.Lys289Asn (NM_001370133.1); c.471G>T, p.Lys157Asn (NM_001370134.1); c.213G>T, p.Lys71Asn (NM_001370135.1); c.2556G>T, p.Lys852Asn (NM_001370136.1, NM_001370137.1); c.1491G>T, p.Lys497Asn (NM_001370143.1, NM_001370144.1); short protein forms K157N, K289N, K497N, K506N, K560N, K669N, K71N, K852N.
Identifiers: ClinVar variation 4071921 (VCV004071921.2).

ClinVar aggregate classification (germline): Uncertain significance. Review status: criteria provided, multiple submitters, no conflicts (2 of 4 stars). 2 submissions from 2 submitters: Uncertain significance (2). Last evaluated 2025-02-19.

Conditions:
Genitopatellar syndrome (GTPTS). Also called: ABSENT PATELLAE, SCROTAL HYPOPLASIA, RENAL ANOMALIES, FACIAL DYSMORPHISM, AND MENTAL RETARDATION; Genitopatellar syndrome (GPS). Identifiers: Orphanet 85201, MedGen C1853566, MONDO:0011640, OMIM 606170.

Submissions (2):

Labcorp Genetics (formerly Invitae), Labcorp
Classification: Uncertain significance for Genitopatellar syndrome. Last evaluated: 2025-02-19. Review status: criteria provided, single submitter. Criteria: Invitae Variant Classification Sherloc (09022015). Collection method: clinical testing. Allele origin: germline.
Comment: This sequence change replaces lysine, which is basic and polar, with asparagine, which is neutral and polar, at codon 852 of the KAT6B protein (p.Lys852Asn). This variant is not present in population databases (gnomAD no frequency). This variant has not been reported in the literature in individuals affected with KAT6B-related conditions. Invitae Evidence Modeling of protein sequence and biophysical properties (such as structural, functional, and spatial information, amino acid conservation, physicochemical variation, residue mobility, and thermodynamic stability) has been performed for this missense variant. However, the output from this modeling did not meet the statistical confidence thresholds required to predict the impact of this variant on KAT6B protein function. In summary, the available evidence is currently insufficient to determine the role of this variant in disease. Therefore, it has been classified as a Variant of Uncertain Significance.

GeneDx
Classification: Uncertain significance. Last evaluated: 2025-01-27. Review status: criteria provided, single submitter. Criteria: GeneDx Variant Classification Process June 2021. Collection method: clinical testing. Allele origin: germline. Affected: yes.
Comment: Not observed at significant frequency in large population cohorts (gnomAD); In silico analysis supports that this missense variant has a deleterious effect on protein structure/function; Has not been previously published as pathogenic or benign to our knowledge